The following is an entry in ClinVar:

ClinVar aggregate classification (germline): Likely benign. Review status: criteria provided, multiple submitters, no conflicts (2 of 4 stars). 2 submissions from 2 submitters: Likely benign (2). Last evaluated 2025-11-10.

Conditions:
SEMA3E-related disorder. Also called: SEMA3E-related condition.
CHARGE syndrome (CHARGE). Also called: Hittner Hirsch Kreh syndrome; CHARGE ASSOCIATION--COLOBOMA, HEART ANOMALY, CHOANAL ATRESIA, RETARDATION, GENITAL AND EAR ANOMALIES; Coloboma, heart anomaly, choanal atresia, retardation, genital and ear anomalies; CHARGE association; Hall-Hittner syndrome. Identifiers: Orphanet 138, MedGen C0265354, MONDO:0008965.

Allele frequency attached by ClinVar (database versions not stated): gnomAD exomes below 0.00001 and 0.00001; gnomAD 0.00001; TOPMed 0.00001.
gnomAD v4.1: 7 of 1,575,008 alleles (0.00044%); highest among the groups gnomAD compares: Admixed American, 0.0017%; no homozygotes.

Submissions (2):

PreventionGenetics, part of Exact Sciences
Classification: Likely benign for SEMA3E-related condition. Last evaluated: 2025-11-10. Review status: criteria provided, single submitter. Criteria: ACMG Guidelines, 2015. Collection method: clinical testing. Allele origin: germline.
Comment: This variant is classified as likely benign based on ACMG/AMP sequence variant interpretation guidelines (Richards et al. 2015 PMID: 25741868, with internal and published modifications).

Labcorp Genetics (formerly Invitae), Labcorp
Classification: Likely benign for CHARGE syndrome. Last evaluated: 2025-01-14. Review status: criteria provided, single submitter. Criteria: Invitae Variant Classification Sherloc (09022015). Collection method: clinical testing. Allele origin: germline.

NM_012431.3(SEMA3E):c.1367-4A>G

Gene: SEMA3E (semaphorin 3E; minus strand). Cytogenetic location: 7q21.11.
Variant type: single nucleotide variant.
Coding change: c.1367-4A>G on transcript NM_012431.3 (MANE Select); 4 bases into the intron before coding-DNA position 1367, A replaced by G.
Molecular consequence: intron variant.
Genome position (GRCh38, 1-based): chr7:83,396,733, T>C on the plus strand (A>G on the coding strand, the complement: SEMA3E is on the minus strand). VCF-style: chr7-83396733-T-C. GRCh37 (hg19) VCF-style: chr7-83026049-T-C.
Other names: c.1187-4A>G (NM_001178129.2).
Identifiers: ClinVar variation 697601 (VCV000697601.9), dbSNP rs927631455, ClinGen allele CA161164992.